The following is an entry in ClinVar:

ClinVar aggregate classification (germline): Benign. Review status: criteria provided, single submitter (1 of 4 stars). 2 submissions from 1 submitter: Benign (2). Last evaluated 2018-01-12.

Conditions:
ALS2-related disorder. Also called: ALS2-related disorders; ALS2-related condition; ALS2-Related Spectrum Disorders. Identifiers: MedGen CN169291.
Amyotrophic lateral sclerosis type 2, juvenile. Also called: ALS, JUVENILE; Amyotrophic lateral sclerosis type 2. Identifiers: Orphanet 300605, MedGen C1859807, MONDO:0008780, OMIM 205100.

Allele frequency attached by ClinVar (database versions not stated): gnomAD 0.00827 and 0.00766; TOPMed 0.00863; 1000 Genomes Project 30x 0.00718; 1000 Genomes Project 0.00699.

Submissions (2):

Illumina Laboratory Services, Illumina
Classification: Benign for ALS2-Related Disorders. Last evaluated: 2018-01-12. Review status: criteria provided, single submitter. Criteria: ICSL Variant Classification Criteria 13 December 2019. Collection method: clinical testing. Allele origin: germline.
Comment: This variant was observed in the ICSL laboratory as part of a predisposition screen in an ostensibly healthy population. It had not been previously curated by ICSL or reported in the Human Gene Mutation Database (HGMD: prior to June 1st, 2018), and was therefore a candidate for classification through an automated scoring system. Utilizing variant allele frequency, disease prevalence and penetrance estimates, and inheritance mode, an automated score was calculated to assess if this variant is too frequent to cause the disease. Based on the score and internal cut-off values, a variant classified as benign is not then subjected to further curation. The score for this variant resulted in a classification of benign for this disease.

Illumina Laboratory Services, Illumina
Classification: Benign for Amyotrophic lateral sclerosis type 2. Last evaluated: 2018-01-12. Review status: criteria provided, single submitter. Criteria: ICSL Variant Classification Criteria 13 December 2019. Collection method: clinical testing. Allele origin: germline.
Comment: the same text as in the submission from Illumina Laboratory Services, Illumina above.

NM_020919.4(ALS2):c.*843G>A

Gene: ALS2 (alsin Rho guanine nucleotide exchange factor ALS2; minus strand). Cytogenetic location: 2q33.1.
Variant type: single nucleotide variant.
Coding change: c.*843G>A on transcript NM_020919.4 (MANE Select); 843 bases downstream of the stop codon, G replaced by A.
Molecular consequence: 3 prime UTR variant.
Genome position (GRCh38, 1-based): chr2:201,701,008, C>T on the plus strand (G>A on the coding strand, the complement: ALS2 is on the minus strand). VCF-style: chr2-201701008-C-T. GRCh37 (hg19) VCF-style: chr2-202565731-C-T.
Identifiers: ClinVar variation 899076 (VCV000899076.4), dbSNP rs41309062, ClinGen allele CA63974876.